The following is an entry in ClinVar:

NM_024649.5(BBS1):c.886A>G (p.Ile296Val)

Genes: BBS1 (Bardet-Biedl syndrome 1; plus strand), ZDHHC24 (zDHHC palmitoyltransferase 24; minus strand). Cytogenetic location: 11q13.2.
Variant type: single nucleotide variant.
Coding change: c.886A>G on transcript NM_024649.5 (MANE Select); coding-DNA position 886, A replaced by G.
Protein change: p.Ile296Val; replaces isoleucine 296 with valine.
Molecular consequence: missense variant. On other transcripts: intron variant (1).
Genome position (GRCh38, 1-based): chr11:66,523,511, A>G. VCF-style: chr11-66523511-A-G. GRCh37 (hg19) VCF-style: chr11-66290982-A-G.
Other names: c.*22-2045T>C (NM_001348571.2); short protein forms I296V.
Identifiers: ClinVar variation 1913003 (VCV001913003.2), dbSNP rs1487474929, ClinGen allele CA381461570.

ClinVar aggregate classification (germline): Uncertain significance (1 of 4 stars; one submission).

Conditions:
Bardet-Biedl syndrome (BBS). Identifiers: Orphanet 110, MedGen C0752166, MONDO:0015229.

gnomAD v4.1: 1 of 1,614,112 alleles (0.000062%); highest among the groups gnomAD compares: Admixed American, 0.0017%; no homozygotes.

Submission:

Labcorp Genetics (formerly Invitae), Labcorp
Classification: Uncertain significance for Bardet-Biedl syndrome. Last evaluated: 2022-03-23. Review status: criteria provided, single submitter. Criteria: Invitae Variant Classification Sherloc (09022015). Collection method: clinical testing. Allele origin: germline.
Comment: This sequence change replaces isoleucine, which is neutral and non-polar, with valine, which is neutral and non-polar, at codon 296 of the BBS1 protein (p.Ile296Val). This variant is not present in population databases (gnomAD no frequency). This variant has not been reported in the literature in individuals affected with BBS1-related conditions. Algorithms developed to predict the effect of missense changes on protein structure and function output the following: SIFT: "Tolerated"; PolyPhen-2: "Benign"; Align-GVGD: "Class C0". The valine amino acid residue is found in multiple mammalian species, which suggests that this missense change does not adversely affect protein function. In summary, the available evidence is currently insufficient to determine the role of this variant in disease. Therefore, it has been classified as a Variant of Uncertain Significance.